The following is an entry in ClinVar:

NM_001972.4(ELANE):c.145C>A (p.Leu49Met)

Gene: ELANE (elastase, neutrophil expressed; plus strand). Cytogenetic location: 19p13.3.
Variant type: single nucleotide variant.
Coding change: c.145C>A on transcript NM_001972.4 (MANE Select); coding-DNA position 145, C replaced by A.
Protein change: p.Leu49Met; replaces leucine 49 with methionine.
Molecular consequence: missense variant.
Genome position (GRCh38, 1-based): chr19:852,953, C>A. VCF-style: chr19-852953-C-A. GRCh37 (hg19) VCF-style: chr19-852953-C-A.
Other names: short protein forms L49M.
Identifiers: ClinVar variation 4017416 (VCV004017416.1).

ClinVar aggregate classification (germline): Uncertain significance (1 of 4 stars; one submission).

Conditions:
Inborn genetic diseases. Identifiers: MedGen C0950123, MeSH D030342.

Submission:

Ambry Genetics
Classification: Uncertain significance for Inborn genetic diseases. Last evaluated: 2025-06-09. Review status: criteria provided, single submitter. Criteria: Ambry Variant Classification Scheme 2023. Collection method: clinical testing. Allele origin: germline.
Comment: The p.L49M variant (also known as c.145C>A), located in coding exon 2 of the ELANE gene, results from a C to A substitution at nucleotide position 145. The leucine at codon 49 is replaced by methionine, an amino acid with highly similar properties. This amino acid position is conserved. In addition, this alteration is predicted to be tolerated by in silico analysis. Based on the available evidence, the clinical significance of this variant remains unclear.